The following is an entry in ClinVar:

ClinVar aggregate classification (germline): Uncertain significance (1 of 4 stars; one submission).

Conditions:
SPRY2-related disorder. Also called: SPRY2-related condition.

Submission:

PreventionGenetics, part of Exact Sciences
Classification: Uncertain significance for SPRY2-related condition. Last evaluated: 2026-08-26. Review status: criteria provided, single submitter. Criteria: ACMG Guidelines, 2015. Collection method: clinical testing. Allele origin: germline.
Comment: The SPRY2 c.449T>C variant is predicted to result in the amino acid substitution p.Ile150Thr. To our knowledge, this variant has not been reported in the literature or in a large population database (gnomAD), indicating this variant is rare. At this time, the clinical significance of this variant is uncertain due to the absence of conclusive functional and genetic evidence.

NM_005842.4(SPRY2):c.449T>C (p.Ile150Thr)

Gene: SPRY2 (sprouty RTK signaling antagonist 2; minus strand). Cytogenetic location: 13q31.1.
Variant type: single nucleotide variant.
Coding change: c.449T>C on transcript NM_005842.4 (MANE Select); coding-DNA position 449, T replaced by C.
Protein change: p.Ile150Thr; replaces isoleucine 150 with threonine.
Molecular consequence: missense variant.
Genome position (GRCh38, 1-based): chr13:80,337,257, A>G on the plus strand (T>C on the coding strand, the complement: SPRY2 is on the minus strand). VCF-style: chr13-80337257-A-G. GRCh37 (hg19) VCF-style: chr13-80911392-A-G.
Other names: c.449T>C, p.Ile150Thr (NM_001318536.1, NM_001318537.1, NM_001318538.1); short protein forms I150T.
Identifiers: ClinVar variation 4995600 (VCV004995600.1).